The following is an entry in ClinVar:

NM_004991.4(MECOM):c.460G>T (p.Ala154Ser)

Gene: MECOM (MDS1 and EVI1 complex locus; minus strand). Cytogenetic location: 3q26.2.
Variant type: single nucleotide variant.
Coding change: c.460G>T on transcript NM_004991.4 (MANE Select); coding-DNA position 460, G replaced by T.
Protein change: p.Ala154Ser; replaces alanine 154 with serine.
Molecular consequence: missense variant. On other transcripts: 5 prime UTR variant (12).
Genome position (GRCh38, 1-based): chr3:169,143,748, C>A on the plus strand (G>T on the coding strand, the complement: MECOM is on the minus strand). VCF-style: chr3-169143748-C-A. GRCh37 (hg19) VCF-style: chr3-168861536-C-A.
Other names: p.Ala154Ser; c.-105G>T (NM_005241.4, NM_001366467.2, NM_001105078.4 and 9 more transcripts); c.460G>T, p.Ala154Ser (NM_001366466.2, NM_001366473.2); c.88G>T, p.Ala30Ser (NM_001105077.4); short protein forms A154S, A30S.
Identifiers: ClinVar variation 3055663 (VCV003055663.4), dbSNP rs116535717, ClinGen allele CA2696558.

ClinVar aggregate classification (germline): Benign/Likely benign. Review status: criteria provided, multiple submitters, no conflicts (2 of 4 stars). 3 submissions from 3 submitters: Benign (1); Likely benign (1). 1 of the submissions does not count toward it. Last evaluated 2024-11-26.

Conditions:
MECOM-related disorder. Also called: MECOM-related condition.

Allele frequency attached by ClinVar (database versions not stated): ESP Exome Variant Server 0.00316; gnomAD 0.00367; TOPMed 0.00408; 1000 Genomes Project 30x 0.00671; 1000 Genomes Project 0.00679.
gnomAD v4.1: 4,997 of 1,610,866 alleles (0.31%); highest among the groups gnomAD compares: Middle Eastern, 2%; 33 homozygotes.

Submissions (3):

Blueprint Genetics
Classification: Likely benign. Last evaluated: 2024-11-26. Review status: criteria provided, single submitter. Criteria: ACMG Guidelines, 2015. Collection method: clinical testing. Allele origin: germline.

Mayo Clinic Laboratories, Mayo Clinic
Classification: Benign. Last evaluated: 2023-08-09. Review status: criteria provided, single submitter. Criteria: ACMG Guidelines, 2015. Collection method: clinical testing. Allele origin: germline. Observed: 6 variant alleles.
Comment: BS1, BS2, BP4

PreventionGenetics, part of Exact Sciences
Classification: Benign for MECOM-related condition. Last evaluated: 2019-05-06. Review status: no assertion criteria provided. Collection method: clinical testing. Allele origin: germline. Not counted in ClinVar's aggregate classification.
Comment: This variant is classified as benign based on ACMG/AMP sequence variant interpretation guidelines (Richards et al. 2015 PMID: 25741868, with internal and published modifications).